The following is an entry in ClinVar:

NM_002755.4(MAP2K1):c.1068+159C>G

Genes: MAP2K1 (mitogen-activated protein kinase kinase 1; plus strand), SNAPC5 (small nuclear RNA activating complex polypeptide 5; minus strand). Cytogenetic location: 15q22.31.
Variant type: single nucleotide variant.
Coding change: c.1068+159C>G on transcript NM_002755.4 (MANE Select); 159 bases into the intron after coding-DNA position 1068, C replaced by G.
Molecular consequence: intron variant. On other transcripts: 3 prime UTR variant (1), non-coding transcript variant (1).
Genome position (GRCh38, 1-based): chr15:66,489,922, C>G. VCF-style: chr15-66489922-C-G. GRCh37 (hg19) VCF-style: chr15-66782260-C-G.
Other names: c.*817G>C (NM_006049.4); c.924+159C>G (NM_001411065.1).
Identifiers: ClinVar variation 561441 (VCV000561441.4), dbSNP rs79240084, ClinGen allele CA271678405.
Genomic context (GRCh38, chr15:66,489,922, plus strand): 5'-GCCCACTGTGGTCCAGCTGAGCCTGGGGCTGCAGAATACCAAACACCAGTCTCCTTTGCT[C>G]TCCCATCAGTTTAAGGGAAAGCTGGGGTGACCCCCGCAGCCTGAGTAAGCATATGCCAGA-3'

ClinVar aggregate classification (germline): Likely benign. Review status: criteria provided, multiple submitters, no conflicts (2 of 4 stars). 2 submissions from 2 submitters: Likely benign (2). Last evaluated 2018-06-14.

Allele frequency attached by ClinVar (database versions not stated): 1000 Genomes Project 30x 0.00406; 1000 Genomes Project 0.00419; gnomAD 0.00907 and 0.00895; TOPMed 0.00952.
gnomAD v4.1: 8,084 of 742,808 alleles (1.1%); highest among the groups gnomAD compares: Middle Eastern, 2.7%; 65 homozygotes.

Submissions (2):

GeneDx
Classification: Likely benign. Last evaluated: 2018-06-14. Review status: criteria provided, single submitter. Criteria: GeneDx Variant Classification (06012015). Collection method: clinical testing. Allele origin: germline. Affected: yes.
Comment: This variant is considered likely benign or benign based on one or more of the following criteria: it is a conservative change, it occurs at a poorly conserved position in the protein, it is predicted to be benign by multiple in silico algorithms, and/or has population frequency not consistent with disease.

Breakthrough Genomics
Classification: Likely benign. Review status: criteria provided, single submitter. Criteria: ACMG Guidelines, 2015. Collection method: not provided. Allele origin: germline. Inheritance: Autosomal dominant inheritance. Affected: yes.